The following is an entry in ClinVar:

NM_001329943.3(KIAA0586):c.2836G>T (p.Glu946Ter)

Gene: KIAA0586 (KIAA0586; plus strand). Cytogenetic location: 14q23.1.
Variant type: single nucleotide variant.
Coding change: c.2836G>T on transcript NM_001329943.3 (MANE Select); coding-DNA position 2836, G replaced by T.
Protein change: p.Glu946Ter; replaces glutamic acid 946 with a stop codon.
Molecular consequence: nonsense.
Genome position (GRCh38, 1-based): chr14:58,477,133, G>T. VCF-style: chr14-58477133-G-T. GRCh37 (hg19) VCF-style: chr14-58943851-G-T.
Other names: c.2995G>T, p.Glu999Ter (NM_001244189.2); c.2791G>T, p.Glu931Ter (NM_001244190.2); c.2581G>T, p.Glu861Ter (NM_001244191.2, NM_001329945.2, NM_001364700.1 and 1 more transcripts); c.2704G>T, p.Glu902Ter (NM_001244192.2); c.2416G>T, p.Glu806Ter (NM_001244193.2); c.2836G>T, p.Glu946Ter (NM_001329944.2, NM_001329946.2, NM_001329947.2); c.2608G>T, p.Glu870Ter (NM_014749.5); short protein forms E931*, E806*, E999*, E870*, E902*, E946*, E861*.
Identifiers: ClinVar variation 4526182 (VCV004526182.1).

ClinVar aggregate classification (germline): Pathogenic (1 of 4 stars; one submission).

Conditions:
Joubert syndrome and related disorders. Identifiers: Orphanet 140874, MedGen C5679612, MONDO:0015369.

Submission:

Women's Health and Genetics/Laboratory Corporation of America, LabCorp
Classification: Pathogenic for Joubert syndrome and related disorders. Last evaluated: 2025-07-28. Review status: criteria provided, single submitter. Criteria: LabCorp Variant Classification Summary - May 2015. Collection method: clinical testing. Allele origin: germline.
Comment: Variant summary: KIAA0586 c.2995G>T (p.Glu999X) results in a premature termination codon, predicted to cause a truncation of the encoded protein or absence of the protein due to nonsense mediated decay, which are commonly known mechanisms for disease. The frequency data for this variant in gnomAD is considered unreliable, as metrics indicate poor data quality at this position. To our knowledge, no occurrence of c.2995G>T in individuals affected with Joubert Syndrome And Related Disorders and no experimental evidence demonstrating its impact on protein function have been reported. No submitters have cited clinical-significance assessments for this variant to ClinVar. Based on the evidence outlined above, the variant was classified as pathogenic.